The following is an entry in ClinVar:

ClinVar aggregate classification (germline): Uncertain significance (1 of 4 stars; one submission).

Submission:

Mayo Clinic Laboratories, Mayo Clinic
Classification: Uncertain significance. Last evaluated: 2024-12-02. Review status: criteria provided, single submitter. Criteria: ACMG Guidelines, 2015. Collection method: clinical testing. Allele origin: germline. Observed: 1 variant allele.
Comment: PM1_supporting, PM2_supporting

NM_019616.4(F7):c.207C>A (p.Phe69Leu)

Gene: F7 (coagulation factor VII; plus strand). Cytogenetic location: 13q34.
Variant type: single nucleotide variant.
Coding change: c.207C>A on transcript NM_019616.4 (MANE Select); coding-DNA position 207, C replaced by A.
Protein change: p.Phe69Leu; replaces phenylalanine 69 with leucine.
Molecular consequence: missense variant. On other transcripts: non-coding transcript variant (1), intron variant (1).
Genome position (GRCh38, 1-based): chr13:113,110,832, C>A. VCF-style: chr13-113110832-C-A. GRCh37 (hg19) VCF-style: chr13-113765146-C-A.
Other names: p.Phe91Leu; c.273C>A, p.Phe91Leu (NM_000131.5); c.65-3015C>A (NM_001267554.2); short protein forms F91L, F69L.
Identifiers: ClinVar variation 4541807 (VCV004541807.1).
Genomic context (GRCh38, chr13:113,110,832, plus strand): 5'-CTCCCTGGAGAGGGAGTGCAAGGAGGAGCAGTGCTCCTTCGAGGAGGCCCGGGAGATCTT[C>A]AAGGACGCGGAGAGGACGGTGAGCCCAGCCTCGGGGCGCCCCGCGCCGCGGACACTGCAG-3'
Protein context (NP_062562.1, residues 59-79): QCSFEEAREI[Phe69Leu]KDAERTKLFW